The following continues an entry in ClinVar:

NM_000138.5(FBN1):c.7754T>C (p.Ile2585Thr)

Gene: FBN1. ClinVar aggregate classification (germline): Pathogenic/Likely pathogenic. Pathogenic (24); Likely pathogenic (3).

Submissions 19 to 32 of 32:

Institute of Human Genetics, University Medical Center Hamburg-Eppendorf
Classification: Likely pathogenic for Thoracic aortic aneurysm and aortic dissection. Last evaluated: 2018-11-20. Review status: criteria provided, single submitter. Criteria: ACMG Guidelines, 2015. Collection method: clinical testing. Allele origin: unknown. Inheritance: Autosomal dominant inheritance. Affected: yes.

Clinical Genetics and Genomics, Karolinska University Hospital
Classification: Pathogenic. Last evaluated: 2018-11-19. Review status: criteria provided, single submitter. Criteria: ACMG Guidelines, 2015. Collection method: clinical testing. Allele origin: germline. Affected: yes. Observed: 1 variant allele.

Laboratory for Molecular Medicine, Mass General Brigham Personalized Medicine
Classification: Pathogenic for Marfan syndrome. Last evaluated: 2018-02-14. Review status: criteria provided, single submitter. Criteria: LMM Criteria. Collection method: clinical testing. Allele origin: germline. Inheritance: Autosomal dominant inheritance. Observed: 3 variant alleles.
Comment: The p.Ile2585Thr variant in FBN1 has been reported in >15 individuals with clini cal features of Marfan syndrome (Liu 1997, Loeys 2001, Biggin 2004, Comeglio 200 7, Howarth 2007, Stheneur 2009, Soylen 2009, Ogawa 2011, Aalberts 2014, Buchan 2 014, Haller 2015, Proost 2015, Yang 2016, Poninska 2016, LMM unpublished data) a nd segregated with disease in 5 affected relatives from two families (Howarth 20 07, Poninska 2016). This variant has also been reported by other clinical labora tories in ClinVar (Variation ID 163462), including a de novo occurrence in one i ndividual referred for Marfan/TAAD testing in one laboratory (SCV000233916.8). I t has been identified in 1/30782 South Asian and 1/33572 Latino chromosomes by t he Genome Aggregation Database (gnomAD; dbSNP rs727503054). Computational prediction tools and conservation analysis do not pr ovide strong support for or against an impact to the protein. In summary, this v ariant meets criteria to be classified as pathogenic for Marfan syndrome in an a utosomal dominant manner based upon presence in multiple affected individuals, s egregation studies, and de novo occurrence. ACMG/AMP Criteria applied: PS4, PM2, PP1_Moderate, PM6 (Richards 2015).

Center of Genomic medicine, Geneva, University Hospital of Geneva
Classification: Likely pathogenic for Marfan syndrome type 1. Last evaluated: 2018-02-07. Review status: criteria provided, single submitter. Criteria: ACMG Guidelines, 2015. Collection method: clinical testing. Allele origin: germline. Affected: yes. Observed: 1 variant allele.

Fulgent Genetics
Classification: Likely pathogenic for Acromicric dysplasia; Ectopia lentis 1, isolated, autosomal dominant; Marfan syndrome; Stiff skin syndrome; MASS syndrome; Weill-Marchesani syndrome 2, dominant; Geleophysic dysplasia 2; Progeroid and marfanoid aspect-lipodystrophy syndrome. Last evaluated: 2017-05-18. Review status: criteria provided, single submitter. Criteria: ACMG Guidelines, 2015. Collection method: clinical testing. Allele origin: unknown.

Women's Health and Genetics/Laboratory Corporation of America, LabCorp
Classification: Pathogenic for Marfan Syndrome/Loeys-Dietz Syndrome/Familial Thoracic Aortic Aneurysms and Dissections. Last evaluated: 2017-05-12. Review status: criteria provided, single submitter. Criteria: LabCorp Variant Classification Summary - May 2015. Collection method: clinical testing. Allele origin: germline.
Comment: Variant summary: The FBN1 c.7754T>C (p.Ile2585Thr) variant involves the alteration of a conserved nucleotide, resulting in a missense substitution within a growth factor receptor cysteine-rich domain and a EGF-like calcium-binding domain (InterPro). 2/4 in silico tools predict a benign outcome for this variant (SNPsandGO not captured due to low reliability index). This variant is absent from the large control database ExAC (0/121220 control chromosomes). In the literature, numerous Marfan syndrome and Marfan syndrome-like patients have been identified as carriers of the variant, and segregation of the allele with disease in families has been observed (Stheneur_EJHG_2009; Howarth_GT_2007), though the allele may not be fully penetrant (Poninska_J Transl Med_2016). In addition, multiple clinical diagnostic laboratories/reputable databases classified this variant as likely pathogenic or pathogenic. Taken together, this variant is classified as pathogenic.

Center for Human Genetics, Inc
Classification: Pathogenic for Marfan syndrome. Last evaluated: 2016-11-01. Review status: criteria provided, single submitter. Criteria: ACMG Guidelines, 2015. Collection method: clinical testing. Allele origin: germline. Affected: yes.

Center for Genomics, Ann and Robert H. Lurie Children's Hospital of Chicago
Classification: Pathogenic for Geleophysic dysplasia 2; Weill-Marchesani syndrome 2, dominant; Ectopia lentis 1, isolated, autosomal dominant; MASS syndrome; Progeroid and marfanoid aspect-lipodystrophy syndrome; Acromicric dysplasia; Marfan syndrome; Stiff skin syndrome. Review status: criteria provided, single submitter. Criteria: ACMG Guidelines, 2015. Collection method: clinical testing. Allele origin: germline.
Comment: This variant has been reported in the literature in numerous individuals with a clinical diagnosis or features of Marfan syndrome, segregating with disease in at least 2 affected family members, and has also been identified in the de novo state (Selected publications: Loeys 2001 PMID:11700157, Stheneur 2009 PMID:19293843, Haller 2015 PMID:26333736, Fang 2016 PMID:28855619, Poninska 2016 PMID:27146836, Yang 2016 PMID:27611364, Becerra Munoz 2018 PMID:29357934, Damrauer 2019 PMID:31211626, Renner 2019 PMID:30675029, Ferreira de Assis Funari 2020 PMID:31751304, Stark 2020 PMID:32679894). This variant is not present in large control databases. This variant is present in ClinVar, with several labs classifying this variant as Pathogenic or Likely Pathogenic (Variation ID:163462). Evolutionary conservation and computational predictive tools for this variant are unclear. In summary, this variant is classified as Pathogenic.

Clinical Genetics Service, Universitary Hospital 12 de Octubre
Classification: Pathogenic for Marfan syndrome. Review status: criteria provided, single submitter. Criteria: ACMG Guidelines, 2015. Collection method: clinical testing. Allele origin: germline. Affected: yes.

Zotz-Klimas Genetics Lab, MVZ Zotz Klimas
Classification: Pathogenic for Marfan syndrome. Last evaluated: 2023-10-09. Review status: no assertion criteria provided. Collection method: clinical testing. Allele origin: germline. Affected: yes. Not counted in ClinVar's aggregate classification.

Center for Medical Genetics Ghent, University of Ghent
Classification: Likely pathogenic for Marfan syndrome. Last evaluated: 2017-11-07. Review status: no assertion criteria provided. Collection method: clinical testing. Allele origin: de novo. Affected: yes. Not counted in ClinVar's aggregate classification.

Centre for Mendelian Genomics, University Medical Centre Ljubljana
Classification: Pathogenic for Aortic aneurysm; Aortic root aneurysm; Joint hypermobility; Scoliosis; High myopia; Tall stature. Last evaluated: 2016-02-04. Review status: no assertion criteria provided. Collection method: clinical testing. Allele origin: unknown. Affected: yes. Not counted in ClinVar's aggregate classification.

Clinical Genetics DNA and cytogenetics Diagnostics Lab, Erasmus MC, Erasmus Medical Center
Classification: Likely pathogenic. Review status: no assertion criteria provided. Collection method: clinical testing. Allele origin: germline. Affected: yes. Study: VKGL Data-share Consensus. Not counted in ClinVar's aggregate classification.

Genome Diagnostics Laboratory, University Medical Center Utrecht
Classification: Likely pathogenic. Review status: no assertion criteria provided. Collection method: clinical testing. Allele origin: germline. Affected: yes. Study: VKGL Data-share Consensus. Not counted in ClinVar's aggregate classification.

Literature cited by the submitters: PubMed 20301510 (cited by Clinical Biomedical Laboratory, Shriners Hospital For Children - Canada and Victorian Clinical Genetics Services, Murdoch Childrens Research Institute); PubMed 31950671 (cited by Clinical Biomedical Laboratory, Shriners Hospital For Children - Canada and Victorian Clinical Genetics Services, Murdoch Childrens Research Institute); PubMed 27724990 (cited by 4 submitters); PubMed 24833718 (cited by 6 submitters); PubMed 11700157 (cited by 7 submitters); PubMed 10464652 (cited by 5 submitters); PubMed 19293843 (cited by 7 submitters); PubMed 24161884 (cited by 5 submitters); PubMed 25907466 (cited by 4 submitters); PubMed 26333736 (cited by 6 submitters); PubMed 27146836 (cited by 7 submitters); PubMed 31751304 (cited by 4 submitters); PubMed 32679894 (cited by 4 submitters); PubMed 29357934 (cited by 5 submitters); PubMed 34498425 (cited by 4 submitters); PubMed 14695540 (cited by 5 submitters); PubMed 17657824 (cited by 4 submitters); PubMed 28855619 (cited by 3 submitters); PubMed 30675029 (cited by 4 submitters); PubMed 30739908 (cited by Color Diagnostics, LLC DBA Color Health and All of Us Research Program, National Institutes of Health); PubMed 19159394 (cited by 3 submitters); PubMed 27611364 (cited by 3 submitters); NCBI Bookshelf NBK1335 (cited by Victorian Clinical Genetics Services, Murdoch Childrens Research Institute); PubMed 27274304 (cited by Victorian Clinical Genetics Services, Murdoch Childrens Research Institute); PubMed 31098894 (cited by Mayo Clinic Laboratories, Mayo Clinic); PubMed 31211626 (cited by Mayo Clinic Laboratories, Mayo Clinic); PubMed 17627385 (cited by Laboratory for Molecular Medicine, Mass General Brigham Personalized Medicine and Women's Health and Genetics/Laboratory Corporation of America, LabCorp); PubMed 21907952 (cited by Laboratory for Molecular Medicine, Mass General Brigham Personalized Medicine and Women's Health and Genetics/Laboratory Corporation of America, LabCorp); PubMed 15241795 (cited by Women's Health and Genetics/Laboratory Corporation of America, LabCorp); PubMed 12203992 (cited by Women's Health and Genetics/Laboratory Corporation of America, LabCorp); PubMed 11933199 (cited by Women's Health and Genetics/Laboratory Corporation of America, LabCorp); PubMed 12203987 (cited by Women's Health and Genetics/Laboratory Corporation of America, LabCorp); PubMed 12938084 (cited by Women's Health and Genetics/Laboratory Corporation of America, LabCorp).